The following is an entry in ClinVar:

NM_001031689.3(PLAA):c.217A>G (p.Ile73Val)

Gene: PLAA (phospholipase A2 activating protein; minus strand). Cytogenetic location: 9p21.2.
Variant type: single nucleotide variant.
Coding change: c.217A>G on transcript NM_001031689.3 (MANE Select); coding-DNA position 217, A replaced by G.
Protein change: p.Ile73Val; replaces isoleucine 73 with valine.
Molecular consequence: missense variant.
Genome position (GRCh38, 1-based): chr9:26,935,139, T>C on the plus strand (A>G on the coding strand, the complement: PLAA is on the minus strand). VCF-style: chr9-26935139-T-C. GRCh37 (hg19) VCF-style: chr9-26935137-T-C.
Other names: c.217A>G, p.Ile73Val (NM_001321546.2); short protein forms I73V.
Identifiers: ClinVar variation 1715357 (VCV001715357.5), dbSNP rs2489226840, ClinGen allele CA373112062.
Genomic context (GRCh38, chr9:26,935,139, plus strand): 5'-TGTGGTCATTTCCACCGGTGGCAATTAGGCCATGAGGGTAGATGTCACTTGAGGGTATGA[T>C]GCATACACAAGATACAAAATTGGAATGGCCACTCATACAGTGCATTTCTGTAAAGCTCCT-3'
Protein context (NP_001026859.1, residues 63-83): GHSNFVSCVC[Ile73Val]IPSSDIYPHG

ClinVar aggregate classification (germline): Uncertain significance (1 of 4 stars; one submission).

Allele frequency attached by ClinVar (database versions not stated): gnomAD exomes below 0.00001.
gnomAD v4.1: 2 of 1,606,560 alleles (0.00012%); highest among the groups gnomAD compares: Non-Finnish European, 0.000085%; no homozygotes.

Submission:

Labcorp Genetics (formerly Invitae), Labcorp
Classification: Uncertain significance. Last evaluated: 2022-08-06. Review status: criteria provided, single submitter. Criteria: Invitae Variant Classification Sherloc (09022015). Collection method: clinical testing. Allele origin: germline.
Comment: This variant is not present in population databases (gnomAD no frequency). This sequence change replaces isoleucine, which is neutral and non-polar, with valine, which is neutral and non-polar, at codon 73 of the PLAA protein (p.Ile73Val). In summary, the available evidence is currently insufficient to determine the role of this variant in disease. Therefore, it has been classified as a Variant of Uncertain Significance. Algorithms developed to predict the effect of missense changes on protein structure and function (SIFT, PolyPhen-2, Align-GVGD) all suggest that this variant is likely to be tolerated. This variant has not been reported in the literature in individuals affected with PLAA-related conditions.